The following is an entry in ClinVar:

NM_005120.3(MED12):c.6239_6247dup (p.Gln2082_Gln2083insArgGlnGln)

Gene: MED12 (mediator complex subunit 12; plus strand). Cytogenetic location: Xq13.1.
Variant type: Duplication.
Coding change: c.6239_6247dup on transcript NM_005120.3 (MANE Select); coding-DNA positions 6239 to 6247, 9 bases duplicated (GGCAGCAGC; older notation c.6239_6247dupGGCAGCAGC).
Protein change: p.Gln2082_Gln2083insArgGlnGln.
Molecular consequence: inframe insertion.
Genome position (GRCh38, 1-based): chrX:71,140,829-71,140,837, GGCAGCAGC duplicated; duplicating any 9 consecutive bases within chrX:71,140,828-71,140,837 gives the same sequence; the c. name uses the placement nearest the transcript's 3' end. VCF-style (leftmost placement, unchanged base first): chrX-71140827-C-CCGGCAGCAG. GRCh37 (hg19) VCF-style: chrX-70360677-C-CCGGCAGCAG.
Identifiers: ClinVar variation 2749682 (VCV002749682.3), dbSNP rs1288483902, ClinGen allele CA641958621.

ClinVar aggregate classification (germline): Uncertain significance (1 of 4 stars; one submission).

Conditions:
FG syndrome (FGS). Identifiers: MedGen C0220769, MONDO:0002010.

Submission:

Labcorp Genetics (formerly Invitae), Labcorp
Classification: Uncertain significance for FG syndrome. Last evaluated: 2023-09-13. Review status: criteria provided, single submitter. Criteria: Invitae Variant Classification Sherloc (09022015). Collection method: clinical testing. Allele origin: germline.
Comment: In summary, the available evidence is currently insufficient to determine the role of this variant in disease. Therefore, it has been classified as a Variant of Uncertain Significance. This variant has not been reported in the literature in individuals affected with MED12-related conditions. The frequency data for this variant in the population databases is considered unreliable, as metrics indicate poor data quality at this position in the gnomAD database. This variant, c.6239_6247dup, results in the insertion of 3 amino acid(s) of the MED12 protein (p.Arg2080_Gln2082dup), but otherwise preserves the integrity of the reading frame.